The following is an entry in ClinVar:

ClinVar aggregate classification (germline): Pathogenic (1 of 4 stars; one submission).

Conditions:
Marfan syndrome (MFS). Also called: MARFAN SYNDROME, TYPE I; Marfan syndrome type 1; Marfan's syndrome; Marfan syndrome, classic; FBN1-Related Marfan Syndrome. Identifiers: Orphanet 284963, Orphanet 558, MedGen C0024796, MONDO:0007947, OMIM 154700.
Familial thoracic aortic aneurysm and aortic dissection (TAAD). Also called: Thoracic aortic aneurysms and dissections. Identifiers: Orphanet 91387, MedGen C4707243, MONDO:0019625.

Submission:

Labcorp Genetics (formerly Invitae), Labcorp
Classification: Pathogenic for Marfan syndrome; Familial thoracic aortic aneurysm and aortic dissection. Last evaluated: 2022-12-20. Review status: criteria provided, single submitter. Criteria: Invitae Variant Classification Sherloc (09022015). Collection method: clinical testing. Allele origin: germline.
Comment: This sequence change affects an acceptor splice site in intron 54 of the FBN1 gene. It is expected to disrupt RNA splicing. Variants that disrupt the donor or acceptor splice site typically lead to a loss of protein function (PMID: 16199547), and loss-of-function variants in FBN1 are known to be pathogenic (PMID: 17657824, 19293843). This variant is not present in population databases (gnomAD no frequency). For these reasons, this variant has been classified as Pathogenic. Algorithms developed to predict the effect of sequence changes on RNA splicing suggest that this variant may disrupt the consensus splice site. Disruption of this splice site has been observed in individuals with Marfan syndrome (PMID: 27906200; Invitae).

Literature cited by the submitters: PubMed 16199547; PubMed 17657824; PubMed 19293843; PubMed 27906200.

NM_000138.5(FBN1):c.6617-1G>T

Gene: FBN1 (fibrillin 1; minus strand). Cytogenetic location: 15q21.1.
Variant type: single nucleotide variant.
Coding change: c.6617-1G>T on transcript NM_000138.5 (MANE Select); the canonical splice acceptor site of the intron before coding-DNA position 6617, G replaced by T.
Molecular consequence: splice acceptor variant.
Genome position (GRCh38, 1-based): chr15:48,432,989, C>A on the plus strand (G>T on the coding strand, the complement: FBN1 is on the minus strand). VCF-style: chr15-48432989-C-A. GRCh37 (hg19) VCF-style: chr15-48725186-C-A.
Other names: c.6617-1G>T (NM_001406716.1).
Identifiers: ClinVar variation 2925537 (VCV002925537.3), dbSNP rs2141235271, ClinGen allele CA392333754.